The following is an entry in ClinVar:

ClinVar aggregate classification (germline): Pathogenic/Likely pathogenic. Review status: criteria provided, multiple submitters, no conflicts (2 of 4 stars). 2 submissions from 2 submitters: Pathogenic (1); Likely pathogenic (1). Last evaluated 2025-10-22.

Conditions:
Spermatogenic failure 72 (SPGF72). Identifiers: MedGen C5676980, MONDO:0030809, OMIM 619867.
Senior-Loken syndrome 8 (SLSN8). Identifiers: Orphanet 3156, MedGen C4225376, MONDO:0014579, OMIM 616307.
Nephronophthisis 13 (NPHP13). Identifiers: Orphanet 655, MedGen C3280612, MONDO:0013718, OMIM 614377.
Asphyxiating thoracic dystrophy 5 (SRTD5). Also called: SHORT-RIB THORACIC DYSPLASIA 5 WITH OR WITHOUT POLYDACTYLY; SHORT-RIB THORACIC DYSPLASIA 5 WITHOUT POLYDACTYLY. Identifiers: Orphanet 474, MedGen C3280598, MONDO:0013717, OMIM 614376.
Cranioectodermal dysplasia 4 (CED4). Identifiers: Orphanet 1515, MedGen C3280616, MONDO:0013719, OMIM 614378.

Submissions (2):

Labcorp Genetics (formerly Invitae), Labcorp
Classification: Pathogenic for Senior-Loken syndrome 8; Asphyxiating thoracic dystrophy 5. Last evaluated: 2025-10-22. Review status: criteria provided, single submitter. Criteria: Invitae Variant Classification Sherloc (09022015). Collection method: clinical testing. Allele origin: germline.
Comment: This sequence change creates a premature translational stop signal (p.Gln1107*) in the WDR19 gene. It is expected to result in an absent or disrupted protein product. Loss-of-function variants in WDR19 are known to be pathogenic (PMID: 22019273, 23559409, 23683095, 26275793, 27241786, 29068549). This variant is not present in population databases (gnomAD no frequency). This variant has not been reported in the literature in individuals affected with WDR19-related conditions. ClinVar contains an entry for this variant (Variation ID: 1382656). For these reasons, this variant has been classified as Pathogenic.

Fulgent Genetics
Classification: Likely pathogenic for Asphyxiating thoracic dystrophy 5; Nephronophthisis 13; Cranioectodermal dysplasia 4; Senior-Loken syndrome 8; Spermatogenic failure 72. Last evaluated: 2022-01-10. Review status: criteria provided, single submitter. Criteria: ACMG Guidelines, 2015. Collection method: clinical testing. Allele origin: unknown.

Literature cited by the submitters: PubMed 22019273 (cited by Labcorp Genetics (formerly Invitae), Labcorp); PubMed 23559409 (cited by Labcorp Genetics (formerly Invitae), Labcorp); PubMed 23683095 (cited by Labcorp Genetics (formerly Invitae), Labcorp); PubMed 26275793 (cited by Labcorp Genetics (formerly Invitae), Labcorp); PubMed 27241786 (cited by Labcorp Genetics (formerly Invitae), Labcorp); PubMed 29068549 (cited by Labcorp Genetics (formerly Invitae), Labcorp).

NM_025132.4(WDR19):c.3319C>T (p.Gln1107Ter)

Gene: WDR19 (WD repeat domain 19; plus strand). Cytogenetic location: 4p14.
Variant type: single nucleotide variant.
Coding change: c.3319C>T on transcript NM_025132.4 (MANE Select); coding-DNA position 3319, C replaced by T.
Protein change: p.Gln1107Ter; replaces glutamine 1107 with a stop codon.
Molecular consequence: nonsense.
Genome position (GRCh38, 1-based): chr4:39,268,052, C>T. VCF-style: chr4-39268052-C-T. GRCh37 (hg19) VCF-style: chr4-39269672-C-T.
Other names: c.2839C>T, p.Gln947Ter (NM_001317924.2); short protein forms Q947*, Q1107*.
Identifiers: ClinVar variation 1382656 (VCV001382656.7), dbSNP rs1401145684, ClinGen allele CA356645169.
Genomic context (GRCh38, chr4:39,268,052, plus strand): 5'-CAGGATGCCAAGTACCTGTTCCGCTTGTACATGGCTCTGAAGCAATACCGAGAAGCTGCC[C>T]AGACTGCCATCATCATTGCCAGAGAAGAGCAGTCTGCAGGTAGGTCCGTGATACGTATGT-3'